The following is an entry in ClinVar:

ClinVar aggregate classification (germline): Likely benign (1 of 4 stars; one submission).

Allele frequency attached by ClinVar (database versions not stated): TOPMed 0.00594; 1000 Genomes Project 0.00619; 1000 Genomes Project 30x 0.00625.
gnomAD v4.1: 789 of 152,346 alleles (0.52%); highest among the groups gnomAD compares: African/African-American, 1.8%; 6 homozygotes.

Submission:

GeneDx
Classification: Likely benign. Last evaluated: 2018-06-19. Review status: criteria provided, single submitter. Criteria: GeneDx Variant Classification (06012015). Collection method: clinical testing. Allele origin: germline. Affected: yes.
Comment: This variant is considered likely benign or benign based on one or more of the following criteria: it is a conservative change, it occurs at a poorly conserved position in the protein, it is predicted to be benign by multiple in silico algorithms, and/or has population frequency not consistent with disease.

NM_030662.4(MAP2K2):c.1093-273C>T

Gene: MAP2K2 (mitogen-activated protein kinase kinase 2; minus strand). Cytogenetic location: 19p13.3.
Variant type: single nucleotide variant.
Coding change: c.1093-273C>T on transcript NM_030662.4 (MANE Select); 273 bases into the intron before coding-DNA position 1093, C replaced by T.
Molecular consequence: intron variant.
Genome position (GRCh38, 1-based): chr19:4,090,981, G>A on the plus strand (C>T on the coding strand, the complement: MAP2K2 is on the minus strand). VCF-style: chr19-4090981-G-A. GRCh37 (hg19) VCF-style: chr19-4090979-G-A.
Identifiers: ClinVar variation 561942 (VCV000561942.1), dbSNP rs140520358, ClinGen allele CA304445801.